The following is an entry in ClinVar:

NM_007118.4(TRIO):c.6619T>G (p.Phe2207Val)

Gene: TRIO (trio Rho guanine nucleotide exchange factor; plus strand). Cytogenetic location: 5p15.2.
Variant type: single nucleotide variant.
Coding change: c.6619T>G on transcript NM_007118.4 (MANE Select); coding-DNA position 6619, T replaced by G.
Protein change: p.Phe2207Val; replaces phenylalanine 2207 with valine.
Molecular consequence: missense variant. On other transcripts: non-coding transcript variant (1).
Genome position (GRCh38, 1-based): chr5:14,482,735, T>G. VCF-style: chr5-14482735-T-G. GRCh37 (hg19) VCF-style: chr5-14482844-T-G.
Other names: short protein forms F2207V.
Identifiers: ClinVar variation 3339913 (VCV003339913.1).

ClinVar aggregate classification (germline): Uncertain significance (1 of 4 stars; one submission).

gnomAD v4.1: 3 of 1,608,302 alleles (0.00019%); highest among the groups gnomAD compares: African/African-American, 0.004%; no homozygotes.

Submission:

Women's Health and Genetics/Laboratory Corporation of America, LabCorp
Classification: Uncertain significance. Last evaluated: 2024-06-20. Review status: criteria provided, single submitter. Criteria: LabCorp Variant Classification Summary - May 2015. Collection method: clinical testing. Allele origin: germline.
Comment: Variant summary: TRIO c.6619T>G (p.Phe2207Val) results in a non-conservative amino acid change located in the Dbl homology (DH) domain (IPR000219) of the encoded protein sequence. Three of five in-silico tools predict a benign effect of the variant on protein function. The variant allele was found at a frequency of 4e-06 in 248154 control chromosomes. The available data on variant occurrences in the general population are insufficient to allow any conclusion about variant significance. To our knowledge, no occurrence of c.6619T>G in individuals affected with TRIO-Related Intellectual Disability and no experimental evidence demonstrating its impact on protein function have been reported. No submitters have cited clinical-significance assessments for this variant to ClinVar. Based on the evidence outlined above, the variant was classified as uncertain significance.